The following is an entry in ClinVar:

ClinVar aggregate classification (germline): Uncertain significance. Review status: criteria provided, multiple submitters, no conflicts (2 of 4 stars). 5 submissions from 5 submitters: Uncertain significance (5). Last evaluated 2026-07-20.

Conditions:
Hypertrophic cardiomyopathy 14. Identifiers: MedGen C2750467, MONDO:0013197, OMIM 613251.
MYH6-related disorder. Also called: MYH6-related condition; MYH6-Related Disorders.
Hypertrophic cardiomyopathy 1 (CMH1). Also called: MYH7-Related Familial Hypertrophic Cardiomyopathy; Familial hypertrophic cardiomyopathy 1. Identifiers: MedGen C3495498, MONDO:0008647, OMIM 192600.
Dilated cardiomyopathy 1EE (CMD1EE). Identifiers: Orphanet 154, MedGen C2750466, MONDO:0013198, OMIM 613252.
Sick sinus syndrome 3, susceptibility to (SSS3). Identifiers: Orphanet 166282, MedGen C3279791, MONDO:0013568, OMIM 614090.
Atrial septal defect 3 (ASD3). Identifiers: Orphanet 1478, MedGen C3279790, MONDO:0013567, OMIM 614089.
Cardiovascular phenotype. Identifiers: MedGen CN230736.

Allele frequency attached by ClinVar (database versions not stated): gnomAD 0.00001 and 0.00002; ExAC 0.00002; TOPMed 0.00001; gnomAD exomes 0.00002.

Submissions (5):

Ambry Genetics
Classification: Uncertain significance for Cardiovascular phenotype. Last evaluated: 2026-07-20. Review status: criteria provided, single submitter. Criteria: Ambry Variant Classification Scheme 2023. Collection method: clinical testing. Allele origin: germline.
Comment: The p.V71A variant (also known as c.212T>C), located in coding exon 2 of the MYH6 gene, results from a T to C substitution at nucleotide position 212. The valine at codon 71 is replaced by alanine, an amino acid with similar properties. This variant was reported in individual(s) with features consistent with dilated cardiomyopathy (DCM) (Dal Ferro M et al. Heart, 2017 Nov;103:1704-1710). This amino acid position is highly conserved in available vertebrate species. In addition, the in silico prediction for this alteration is inconclusive. Based on the available evidence, the clinical significance of this variant remains unclear.

PreventionGenetics, part of Exact Sciences
Classification: Uncertain significance for MYH6-related condition. Last evaluated: 2026-07-15. Review status: criteria provided, single submitter. Criteria: ACMG Guidelines, 2015. Collection method: clinical testing. Allele origin: germline.
Comment: The MYH6 c.212T>C variant is predicted to result in the amino acid substitution p.Val71Ala. This variant has been reported in an individual with dilated cardiomyopathy; however, no evidence was provided to support its pathogenicity (Table S1, Dal Ferro et al. 2017. PubMed ID: 28416588). This variant has also been reported in a cohort of individuals with congenital heart disease (Dataset S4, Sierant et al. 2025. PubMed ID: 40127276). This variant is reported in 0.0031% of alleles in individuals of European (Non-Finnish) descent in gnomAD. At this time, the clinical significance of this variant is uncertain due to the absence of conclusive functional and genetic evidence.

Labcorp Genetics (formerly Invitae), Labcorp
Classification: Uncertain significance for Hypertrophic cardiomyopathy 14. Last evaluated: 2025-08-29. Review status: criteria provided, single submitter. Criteria: Invitae Variant Classification Sherloc (09022015). Collection method: clinical testing. Allele origin: germline.
Comment: This sequence change replaces valine, which is neutral and non-polar, with alanine, which is neutral and non-polar, at codon 71 of the MYH6 protein (p.Val71Ala). This variant is present in population databases (rs769686237, gnomAD 0.003%). This missense change has been observed in individual(s) with dilated cardiomyopathy (PMID: 28416588). ClinVar contains an entry for this variant (Variation ID: 312883). Invitae Evidence Modeling of protein sequence and biophysical properties (such as structural, functional, and spatial information, amino acid conservation, physicochemical variation, residue mobility, and thermodynamic stability) has been performed for this missense variant. However, the output from this modeling did not meet the statistical confidence thresholds required to predict the impact of this variant on MYH6 protein function. In summary, the available evidence is currently insufficient to determine the role of this variant in disease. Therefore, it has been classified as a Variant of Uncertain Significance.

GeneDx
Classification: Uncertain significance. Last evaluated: 2022-11-02. Review status: criteria provided, single submitter. Criteria: GeneDx Variant Classification Process June 2021. Collection method: clinical testing. Allele origin: germline. Affected: yes.
Comment: Reported in association with DCM (Dal Ferro et al., 2017); Not observed at significant frequency in large population cohorts (gnomAD); In silico analysis supports that this missense variant has a deleterious effect on protein structure/function; This variant is associated with the following publications: (PMID: 28416588)

Fulgent Genetics
Classification: Uncertain significance for Hypertrophic cardiomyopathy 1; Hypertrophic cardiomyopathy 14; Dilated cardiomyopathy 1EE; Atrial septal defect 3; Sick sinus syndrome 3, susceptibility to. Last evaluated: 2021-11-04. Review status: criteria provided, single submitter. Criteria: ACMG Guidelines, 2015. Collection method: clinical testing. Allele origin: unknown.

Literature cited by the submitters: PubMed 28416588 (cited by Ambry Genetics and Labcorp Genetics (formerly Invitae), Labcorp).

NM_002471.4(MYH6):c.212T>C (p.Val71Ala)

Genes: MYH6 (myosin heavy chain 6; minus strand), LOC114827851 (VISTA enhancer hs2155; plus strand). Cytogenetic location: 14q11.2.
Variant type: single nucleotide variant.
Coding change: c.212T>C on transcript NM_002471.4 (MANE Select); coding-DNA position 212, T replaced by C.
Protein change: p.Val71Ala; replaces valine 71 with alanine.
Molecular consequence: missense variant.
Genome position (GRCh38, 1-based): chr14:23,405,760, A>G on the plus strand (T>C on the coding strand, the complement: MYH6 is on the minus strand). VCF-style: chr14-23405760-A-G. GRCh37 (hg19) VCF-style: chr14-23874969-A-G.
Other names: short protein forms V71A.
Identifiers: ClinVar variation 312883 (VCV000312883.20), dbSNP rs769686237, ClinGen allele CA7116223.